The following is an entry in ClinVar:

ClinVar aggregate classification (germline): Uncertain significance. Review status: criteria provided, multiple submitters, no conflicts (2 of 4 stars). 3 submissions from 3 submitters: Uncertain significance (3). Last evaluated 2025-01-16.

Conditions:
Muscular dystrophy, limb-girdle, autosomal recessive 23. Identifiers: Orphanet 565837, MedGen C4748327, MONDO:0029136, OMIM 618138.
Merosin deficient congenital muscular dystrophy (MDC1A). Also called: Congenital merosin-deficient muscular dystrophy 1A; Congenital Muscular Dystrophy Type 1A (MDC1A). Identifiers: Orphanet 258, MedGen C1263858, MONDO:0011925, OMIM 607855.
Inborn genetic diseases. Identifiers: MedGen C0950123, MeSH D030342.
LAMA2-related muscular dystrophy (LAMA2-RD). Also called: Laminin alpha 2-related dystrophy. Identifiers: MedGen C5679788, MONDO:0100228.

Allele frequency attached by ClinVar (database versions not stated): gnomAD 0.00001; gnomAD exomes 0.00001 and 0.00004; ExAC 0.00003; TOPMed 0.00003.
gnomAD v4.1: 26 of 1,613,146 alleles (0.0016%); highest among the groups gnomAD compares: Admixed American, 0.025%; no homozygotes.

Submissions (3):

Labcorp Genetics (formerly Invitae), Labcorp
Classification: Uncertain significance for LAMA2-related muscular dystrophy. Last evaluated: 2025-01-16. Review status: criteria provided, single submitter. Criteria: Invitae Variant Classification Sherloc (09022015). Collection method: clinical testing. Allele origin: germline.
Comment: This sequence change replaces threonine, which is neutral and polar, with isoleucine, which is neutral and non-polar, at codon 1012 of the LAMA2 protein (p.Thr1012Ile). This variant is present in population databases (rs752658943, gnomAD 0.02%). This variant has not been reported in the literature in individuals affected with LAMA2-related conditions. ClinVar contains an entry for this variant (Variation ID: 966294). An algorithm developed to predict the effect of missense changes on protein structure and function outputs the following: PolyPhen-2: "Benign". The isoleucine amino acid residue is found in multiple mammalian species, which suggests that this missense change does not adversely affect protein function. In summary, the available evidence is currently insufficient to determine the role of this variant in disease. Therefore, it has been classified as a Variant of Uncertain Significance.

Department of Pathology and Laboratory Medicine, Sinai Health System
Classification: Uncertain significance for Merosin deficient congenital muscular dystrophy; Muscular dystrophy, limb-girdle, autosomal recessive 23. Last evaluated: 2023-02-27. Review status: criteria provided, single submitter. Criteria: ACMG Guidelines, 2015. Collection method: research. Allele origin: germline.

Ambry Genetics
Classification: Uncertain significance for Inborn genetic diseases. Last evaluated: 2022-01-04. Review status: criteria provided, single submitter. Criteria: Ambry Variant Classification Scheme 2023. Collection method: clinical testing. Allele origin: germline.

NM_000426.4(LAMA2):c.3035C>T (p.Thr1012Ile)

Gene: LAMA2 (laminin subunit alpha 2; plus strand). Cytogenetic location: 6q22.33.
Variant type: single nucleotide variant.
Coding change: c.3035C>T on transcript NM_000426.4 (MANE Select); coding-DNA position 3035, C replaced by T.
Protein change: p.Thr1012Ile; replaces threonine 1012 with isoleucine.
Molecular consequence: missense variant.
Genome position (GRCh38, 1-based): chr6:129,297,863, C>T. VCF-style: chr6-129297863-C-T. GRCh37 (hg19) VCF-style: chr6-129619008-C-T.
Other names: c.3035C>T, p.Thr1012Ile (NM_001079823.2); short protein forms T1012I.
Identifiers: ClinVar variation 966294 (VCV000966294.7), dbSNP rs752658943, ClinGen allele CA3993134.